The following is an entry in ClinVar:

NM_001384140.1(PCDH15):c.4672-1594G>A

Gene: PCDH15 (protocadherin related 15; minus strand). Cytogenetic location: 10q21.1.
Variant type: single nucleotide variant.
Coding change: c.4672-1594G>A on transcript NM_001384140.1 (MANE Select); 1594 bases into the intron before coding-DNA position 4672, G replaced by A.
Molecular consequence: intron variant. On other transcripts: missense variant (2), 3 prime UTR variant (1).
Genome position (GRCh38, 1-based): chr10:53,808,724, C>T on the plus strand (G>A on the coding strand, the complement: PCDH15 is on the minus strand). VCF-style: chr10-53808724-C-T. GRCh37 (hg19) VCF-style: chr10-55568484-C-T.
Other names: c.5341G>A, p.Ala1781Thr (NM_001142769.4); c.*756G>A (NM_001142770.3); c.5320G>A, p.Ala1774Thr (NM_001354411.2); c.4477-1594G>A (NM_001354420.2); c.4606-1594G>A (NM_001354429.2); c.4483-1594G>A (NM_001142772.2); c.4498-1594G>A (NM_001142771.2); short protein forms A1774T, A1781T.
Identifiers: ClinVar variation 4861642 (VCV004861642.1).

ClinVar aggregate classification (germline): Uncertain significance (1 of 4 stars; one submission).

Conditions:
Inborn genetic diseases. Identifiers: MedGen C0950123, MeSH D030342.

gnomAD v4.1: 15 of 1,612,840 alleles (0.00093%); highest among the groups gnomAD compares: Non-Finnish European, 0.0013%; no homozygotes.

Submission:

Ambry Genetics
Classification: Uncertain significance for Inborn genetic diseases. Last evaluated: 2026-04-22. Review status: criteria provided, single submitter. Criteria: Ambry Variant Classification Scheme 2023. Collection method: clinical testing. Allele origin: germline.
Comment: The c.5341G>A (p.A1781T) alteration is located in exon 37 (coding exon 36) of the PCDH15 gene. This alteration results from a G to A substitution at nucleotide position 5341, causing the alanine (A) at amino acid position 1781 to be replaced by a threonine (T). Based on data from gnomAD, the A allele has an overall frequency of <0.001% (1/246814) total alleles studied. The highest observed frequency was 0.001% (1/111858) of European (non-Finnish) alleles. Based on insufficient or conflicting evidence, the clinical significance of this alteration remains unclear.